The following is an entry in ClinVar:

NM_001291415.2(KDM6A):c.1837G>A (p.Ala613Thr)

Gene: KDM6A (lysine demethylase 6A; plus strand). Cytogenetic location: Xp11.3.
Variant type: single nucleotide variant.
Coding change: c.1837G>A on transcript NM_001291415.2 (MANE Select); coding-DNA position 1837, G replaced by A.
Protein change: p.Ala613Thr; replaces alanine 613 with threonine.
Molecular consequence: missense variant. On other transcripts: non-coding transcript variant (1).
Genome position (GRCh38, 1-based): chrX:45,063,575, G>A. VCF-style: chrX-45063575-G-A. GRCh37 (hg19) VCF-style: chrX-44922820-G-A.
Other names: c.1702G>A, p.Ala568Thr (NM_001291416.2); c.1546G>A, p.Ala516Thr (NM_001291417.2); c.1444G>A, p.Ala482Thr (NM_001291418.2); c.793G>A, p.Ala265Thr (NM_001291421.2); c.1681G>A, p.Ala561Thr (NM_021140.4); short protein forms A265T, A482T, A568T, A613T, A561T, A516T.
Identifiers: ClinVar variation 1418988 (VCV001418988.7), dbSNP rs751034422, ClinGen allele CA10392426.

ClinVar aggregate classification (germline): Uncertain significance. Review status: criteria provided, multiple submitters, no conflicts (2 of 4 stars). 2 submissions from 2 submitters: Uncertain significance (2). Last evaluated 2025-10-06.

Conditions:
Kabuki syndrome 2 (KABUK2). Also called: KDM6A-Related Kabuki Syndrome. Identifiers: Orphanet 2322, MedGen C3275495, MONDO:0010465, OMIM 300867.
Kabuki syndrome 1 (KABUK1). Also called: KMT2D-Related Kabuki Syndrome. Identifiers: Orphanet 2322, MedGen CN030661, MONDO:0007843, OMIM 147920.

Allele frequency attached by ClinVar (database versions not stated): gnomAD exomes below 0.00001 and 0.00001; ExAC 0.00001.
gnomAD v4.1: 3 of 1,211,540 alleles (0.00025%); highest among the groups gnomAD compares: Non-Finnish European, 0.00034%; no homozygotes.

Submissions (2):

Labcorp Genetics (formerly Invitae), Labcorp
Classification: Uncertain significance for Kabuki syndrome 2. Last evaluated: 2025-10-06. Review status: criteria provided, single submitter. Criteria: Invitae Variant Classification Sherloc (09022015). Collection method: clinical testing. Allele origin: germline.
Comment: This sequence change replaces alanine, which is neutral and non-polar, with threonine, which is neutral and polar, at codon 561 of the KDM6A protein (p.Ala561Thr). This variant is present in population databases (rs751034422, gnomAD 0.003%). This variant has not been reported in the literature in individuals affected with KDM6A-related conditions. ClinVar contains an entry for this variant (Variation ID: 1418988). Invitae Evidence Modeling of protein sequence and biophysical properties (such as structural, functional, and spatial information, amino acid conservation, physicochemical variation, residue mobility, and thermodynamic stability) indicates that this missense variant is not expected to disrupt KDM6A protein function with a negative predictive value of 80%. In summary, the available evidence is currently insufficient to determine the role of this variant in disease. Therefore, it has been classified as a Variant of Uncertain Significance.

Fulgent Genetics
Classification: Uncertain significance for Kabuki syndrome 1; Kabuki syndrome 2. Last evaluated: 2022-05-24. Review status: criteria provided, single submitter. Criteria: ACMG Guidelines, 2015. Collection method: clinical testing. Allele origin: unknown.